The following is an entry in ClinVar:

ClinVar aggregate classification (germline): Uncertain significance (1 of 4 stars; one submission).

Conditions:
Central core myopathy (CMYO1A). Also called: CONGENITAL MYOPATHY 1A, AUTOSOMAL DOMINANT, WITH SUSCEPTIBILITY TO MALIGNANT HYPERTHERMIA; Central core disease; Myopathy, central fibrillar. Identifiers: Orphanet 597, MedGen C5830701, MONDO:0007294, OMIM 117000.

gnomAD v4.1: 2 of 1,614,038 alleles (0.00012%); highest among the groups gnomAD compares: South Asian, 0.0022%; no homozygotes.

Submission:

MVZ Medizinische Genetik Mainz
Classification: Uncertain significance for Central core myopathy. Last evaluated: 2025-05-28. Review status: criteria provided, single submitter. Criteria: UK Practice Guidelines For Variant Classification V4 01 2020. Collection method: clinical testing. Allele origin: germline. Inheritance: Autosomal dominant inheritance. Affected: yes. Observed: 1 variant allele.
Comment: ACMG Criteria: PM2_SUP,PP3

NM_000540.3(RYR1):c.1664C>T (p.Ala555Val)

Gene: RYR1 (ryanodine receptor 1; plus strand). Cytogenetic location: 19q13.2.
Variant type: single nucleotide variant.
Coding change: c.1664C>T on transcript NM_000540.3 (MANE Select); coding-DNA position 1664, C replaced by T.
Protein change: p.Ala555Val; replaces alanine 555 with valine.
Molecular consequence: missense variant.
Genome position (GRCh38, 1-based): chr19:38,455,538, C>T. VCF-style: chr19-38455538-C-T. GRCh37 (hg19) VCF-style: chr19-38946178-C-T.
Other names: c.1664C>T, p.Ala555Val (NM_001042723.2); short protein forms A555V.
Identifiers: ClinVar variation 3907699 (VCV003907699.1).